The following is an entry in ClinVar:

ClinVar aggregate classification (germline): Uncertain significance (1 of 4 stars; one submission).

Conditions:
Primary ciliary dyskinesia. Also called: Ciliary dyskinesia. Identifiers: Orphanet 244, MedGen C0008780, MONDO:0016575, HP:0012265.

Submission:

Labcorp Genetics (formerly Invitae), Labcorp
Classification: Uncertain significance for Primary ciliary dyskinesia. Last evaluated: 2018-12-28. Review status: criteria provided, single submitter. Criteria: Invitae Variant Classification Sherloc (09022015). Collection method: clinical testing. Allele origin: germline.
Comment: In summary, the available evidence is currently insufficient to determine the role of this variant in disease. Therefore, it has been classified as a Variant of Uncertain Significance. Algorithms developed to predict the effect of missense changes on protein structure and function (SIFT, PolyPhen-2, Align-GVGD) all suggest that this variant is likely to be tolerated, but these predictions have not been confirmed by published functional studies and their clinical significance is uncertain. This variant has not been reported in the literature in individuals with DNAH11-related conditions. This variant is not present in population databases (ExAC no frequency). This sequence change replaces serine with isoleucine at codon 692 of the DNAH11 protein (p.Ser692Ile). The serine residue is moderately conserved and there is a large physicochemical difference between serine and isoleucine.

NM_001277115.2(DNAH11):c.2075G>T (p.Ser692Ile)

Gene: DNAH11 (dynein axonemal heavy chain 11; plus strand). Cytogenetic location: 7p15.3.
Variant type: single nucleotide variant.
Coding change: c.2075G>T on transcript NM_001277115.2 (MANE Select); coding-DNA position 2075, G replaced by T.
Protein change: p.Ser692Ile; replaces serine 692 with isoleucine.
Molecular consequence: missense variant.
Genome position (GRCh38, 1-based): chr7:21,589,309, G>T. VCF-style: chr7-21589309-G-T. GRCh37 (hg19) VCF-style: chr7-21628927-G-T.
Other names: short protein forms S692I.
Identifiers: ClinVar variation 655333 (VCV000655333.7), dbSNP rs528619219, ClinGen allele CA366940788.